The following is an entry in ClinVar:

ClinVar aggregate classification (germline): Benign. Review status: criteria provided, multiple submitters, no conflicts (2 of 4 stars). 2 submissions from 2 submitters: Benign (2). Last evaluated 2020-02-18.

Allele frequency attached by ClinVar (database versions not stated): 1000 Genomes Project 30x 0.55528; 1000 Genomes Project 0.57169; ESP Exome Variant Server 0.57666; TOPMed 0.57912; gnomAD 0.58874 and 0.59692; ExAC 0.66869; gnomAD exomes 0.67563 and 0.68890.
gnomAD v4.1: 1,096,769 of 1,613,674 alleles (68%); highest among the groups gnomAD compares: East Asian, 76%; 378,522 homozygotes.

Submissions (2):

GeneDx
Classification: Benign. Last evaluated: 2020-02-18. Review status: criteria provided, single submitter. Criteria: GeneDx Variant Classification Process June 2021. Collection method: clinical testing. Allele origin: germline. Affected: yes.
Comment: This variant is associated with the following publications: (PMID: 26122709, 25745440, 16540175, 31519945)

Breakthrough Genomics
Classification: Benign. Review status: criteria provided, single submitter. Criteria: ACMG Guidelines, 2015. Collection method: not provided. Allele origin: germline. Inheritance: Unknown mechanism. Affected: yes.

NM_002581.5(PAPPA):c.3671C>A (p.Ser1224Tyr)

Genes: PAPPA (pappalysin 1; plus strand), PAPPA-AS2 (PAPPA antisense RNA 2; minus strand). Cytogenetic location: 9q33.1.
Variant type: single nucleotide variant.
Coding change: c.3671C>A on transcript NM_002581.5 (MANE Select); coding-DNA position 3671, C replaced by A.
Protein change: p.Ser1224Tyr; replaces serine 1224 with tyrosine.
Molecular consequence: missense variant.
Genome position (GRCh38, 1-based): chr9:116,344,602, C>A. VCF-style: chr9-116344602-C-A. GRCh37 (hg19) VCF-style: chr9-119106881-C-A.
Other names: short protein forms S1224Y.
Identifiers: ClinVar variation 1238296 (VCV001238296.4), dbSNP rs7020782, ClinGen allele CA5210091.